The following is an entry in ClinVar:

NM_003621.5(PPFIBP2):c.802C>T (p.His268Tyr)

Gene: PPFIBP2 (PPFIA binding protein 2; plus strand). Cytogenetic location: 11p15.4.
Variant type: single nucleotide variant.
Coding change: c.802C>T on transcript NM_003621.5 (MANE Select); coding-DNA position 802, C replaced by T.
Protein change: p.His268Tyr; replaces histidine 268 with tyrosine.
Molecular consequence: missense variant. On other transcripts: non-coding transcript variant (1).
Genome position (GRCh38, 1-based): chr11:7,625,867, C>T. VCF-style: chr11-7625867-C-T. GRCh37 (hg19) VCF-style: chr11-7647098-C-T.
Other names: c.466C>T, p.His156Tyr (NM_001256568.2); c.373C>T, p.His125Tyr (NM_001256569.2); c.802C>T, p.His268Tyr (NM_001351853.2, NM_001351854.2, NM_001351855.2 and 1 more transcripts); c.808C>T, p.His270Tyr (NM_001351856.2); c.571C>T, p.His191Tyr (NM_001351857.2, NM_001351858.2, NM_001351859.2 and 1 more transcripts); c.595C>T, p.His199Tyr (NM_001351860.2); short protein forms H125Y, H156Y, H191Y, H199Y, H268Y, H270Y.
Identifiers: ClinVar variation 3041936 (VCV003041936.2), dbSNP rs147849861, ClinGen allele CA5866665.
Genomic context (GRCh38, chr11:7,625,867, plus strand): 5'-GCCCTGAAAGATGCAGAAATTGAGCGTCTGCACAGCCAGCTCTCCCGGACAGCAGCTCTC[C>T]ACAGTGAGAGTCACACAGAGAGAGGTGACTAGCTTGACTCTGACAAAATGCAGTTGTCTG-3'
Protein context (NP_003612.3, residues 258-278): HSQLSRTAAL[His268Tyr]SESHTERDQE

ClinVar aggregate classification (germline): Likely benign (0 of 4 stars; one submission).

Conditions:
PPFIBP2-related disorder. Also called: PPFIBP2-related condition.

Allele frequency attached by ClinVar (database versions not stated): 1000 Genomes Project 0.00120; 1000 Genomes Project 30x 0.00172; TOPMed 0.00187; gnomAD 0.00216; ESP Exome Variant Server 0.00246; gnomAD exomes 0.00292; ExAC 0.00304.
gnomAD v4.1: 4,576 of 1,614,202 alleles (0.28%); highest among the groups gnomAD compares: Middle Eastern, 0.41%; 12 homozygotes.

Submission:

PreventionGenetics, part of Exact Sciences
Classification: Likely benign for PPFIBP2-related condition. Last evaluated: 2020-08-10. Review status: no assertion criteria provided. Collection method: clinical testing. Allele origin: germline.
Comment: This variant is classified as likely benign based on ACMG/AMP sequence variant interpretation guidelines (Richards et al. 2015 PMID: 25741868, with internal and published modifications).